The following is an entry in ClinVar:

ClinVar aggregate classification (germline): Uncertain significance (1 of 4 stars; one submission).

Conditions:
Ehlers-Danlos syndrome, classic type, 1 (EDSCL1). Also called: EHLERS-DANLOS SYNDROME, GRAVIS TYPE; EHLERS-DANLOS SYNDROME, SEVERE CLASSIC TYPE; Ehlers-Danlos syndrome, type 1; Ehlers-Danlos Syndrome, Classic Type, COL5A1-Related; EDS I. Identifiers: MedGen C0268335, MONDO:0019567, OMIM 130000.
Osteogenesis imperfecta type I (OI1). Also called: OI, TYPE I; OSTEOGENESIS IMPERFECTA TARDA; OSTEOGENESIS IMPERFECTA WITH BLUE SCLERAE; Osteogenesis imperfecta type 1; Lobstein's Disease; Lobstein disease. Identifiers: Orphanet 216796, Orphanet 666, MedGen C0023931, MONDO:0008146, OMIM 166200. Disease mechanism: loss of function.

Submission:

Labcorp Genetics (formerly Invitae), Labcorp
Classification: Uncertain significance for Osteogenesis imperfecta type I; Ehlers-Danlos syndrome, classic type, 1. Last evaluated: 2022-08-09. Review status: criteria provided, single submitter. Criteria: Invitae Variant Classification Sherloc (09022015). Collection method: clinical testing. Allele origin: germline.
Comment: In summary, the available evidence is currently insufficient to determine the role of this variant in disease. Therefore, it has been classified as a Variant of Uncertain Significance. Algorithms developed to predict the effect of missense changes on protein structure and function are either unavailable or do not agree on the potential impact of this missense change (SIFT: "Deleterious"; PolyPhen-2: "Not Available"; Align-GVGD: "Class C15"). ClinVar contains an entry for this variant (Variation ID: 1388166). This variant has not been reported in the literature in individuals affected with COL1A2-related conditions. This variant is not present in population databases (gnomAD no frequency). This sequence change replaces aspartic acid, which is acidic and polar, with valine, which is neutral and non-polar, at codon 1136 of the COL1A2 protein (p.Asp1136Val).

NM_000089.4(COL1A2):c.3407A>T (p.Asp1136Val)

Gene: COL1A2 (collagen type I alpha 2 chain; plus strand). Cytogenetic location: 7q21.3.
Variant type: single nucleotide variant.
Coding change: c.3407A>T on transcript NM_000089.4 (MANE Select); coding-DNA position 3407, A replaced by T.
Protein change: p.Asp1136Val; replaces aspartic acid 1136 with valine.
Molecular consequence: missense variant.
Genome position (GRCh38, 1-based): chr7:94,427,766, A>T. VCF-style: chr7-94427766-A-T. GRCh37 (hg19) VCF-style: chr7-94057078-A-T.
Other names: short protein forms D1136V.
Identifiers: ClinVar variation 1388166 (VCV001388166.6), dbSNP rs745366015, ClinGen allele CA368225904.